The following is an entry in ClinVar:

ClinVar aggregate classification (germline): Uncertain significance. Review status: criteria provided, multiple submitters, no conflicts (2 of 4 stars). 2 submissions from 2 submitters: Uncertain significance (2). Last evaluated 2023-05-05.

Conditions:
Myopathy, centronuclear, 2 (CNM2). Also called: MYOTUBULAR MYOPATHY, AUTOSOMAL RECESSIVE. Identifiers: Orphanet 169186, MedGen CN031787, MONDO:0009709, OMIM 255200.

Submissions (2):

Blueprint Genetics
Classification: Uncertain significance. Last evaluated: 2023-05-05. Review status: criteria provided, single submitter. Criteria: ACMG Guidelines, 2015. Collection method: clinical testing. Allele origin: germline.

Labcorp Genetics (formerly Invitae), Labcorp
Classification: Uncertain significance for Myopathy, centronuclear, 2. Last evaluated: 2020-12-18. Review status: criteria provided, single submitter. Criteria: Invitae Variant Classification Sherloc (09022015). Collection method: clinical testing. Allele origin: germline.
Comment: This sequence change replaces glutamic acid with leucine at codon 576 of the BIN1 protein (p.Glu576Leu). The glutamic acid residue is moderately conserved and there is a moderate physicochemical difference between glutamic acid and leucine. In summary, the available evidence is currently insufficient to determine the role of this variant in disease. Therefore, it has been classified as a Variant of Uncertain Significance. Algorithms developed to predict the effect of missense changes on protein structure and function are either unavailable or do not agree on the potential impact of this missense change (SIFT: "Not Available"; PolyPhen-2: "Probably Damaging"; Align-GVGD: "Not Available"). This variant has not been reported in the literature in individuals with BIN1-related conditions. The frequency data for this variant in the population databases is not available, as this variant may be reported as separate entries in the ExAC database.

NM_139343.3(BIN1):c.1726_1727delinsTT (p.Glu576Leu)

Gene: BIN1 (bridging integrator 1; minus strand). Cytogenetic location: 2q14.3.
Variant type: Indel.
Coding change: c.1726_1727delinsTT on transcript NM_139343.3 (MANE Select); coding-DNA positions 1726 to 1727, GA replaced by TT.
Protein change: p.Glu576Leu; replaces glutamic acid 576 with leucine.
Molecular consequence: missense variant.
Genome position (GRCh38, 1-based): chr2:127,048,581-127,048,582, TC replaced by AA on the plus strand (GA replaced by TT on the coding strand, the reverse complement: BIN1 is on the minus strand). VCF-style: chr2-127048581-TC-AA. GRCh37 (hg19) VCF-style: chr2-127806157-TC-AA.
Other names: c.1219_1220delinsTT, p.Glu407Leu (NM_001320632.2); c.1357_1358delinsTT, p.Glu453Leu (NM_001320633.2); c.1102_1103delinsTT, p.Glu368Leu (NM_001320634.1); c.1486_1487delinsTT, p.Glu496Leu (NM_001320640.2); c.1633_1634delinsTT, p.Glu545Leu (NM_001320641.2); c.1645_1646delinsTT, p.Glu549Leu (NM_001320642.1); c.1309_1310delinsTT, p.Glu437Leu (NM_004305.4); c.1597_1598delinsTT, p.Glu533Leu (NM_139344.3); and 7 more; short protein forms E392L, E422L, E465L, E496L, E368L, E407L, E437L, E453L.
Identifiers: ClinVar variation 1412516 (VCV001412516.7), dbSNP rs2104840053, ClinGen allele CA2573133172.